The following is an entry in ClinVar:

ClinVar aggregate classification (germline): Pathogenic (0 of 4 stars; one submission).

Conditions:
Fanconi anemia complementation group A (FANCA). Also called: Fanconi anemia, group A; FANCA-Related Fanconi Anemia. Identifiers: Orphanet 84, MedGen C3469521, MONDO:0009215, OMIM 227650.

Submission:

Leiden Open Variation Database
Classification: Pathogenic for Fanconi anemia complementation group A. Last evaluated: 2020-02-28. Review status: no assertion criteria provided. Collection method: curation. Allele origin: germline. Affected: yes.
Comment: Curator: Arleen D. Auerbach. Submitter to LOVD: Arleen D. Auerbach.

Literature cited by the submitters: PubMed 25168418.

NC_000016.10:g.88323235_88334862del

Variant type: Deletion.
Identifiers: ClinVar variation 974133 (VCV000974133.1).